The following is an entry in ClinVar:

ClinVar aggregate classification (germline): Uncertain significance (1 of 4 stars; one submission).

Conditions:
Inborn genetic diseases. Identifiers: MedGen C0950123, MeSH D030342.

Submission:

Ambry Genetics
Classification: Uncertain significance for Inborn genetic diseases. Last evaluated: 2025-06-29. Review status: criteria provided, single submitter. Criteria: Ambry Variant Classification Scheme 2023. Collection method: clinical testing. Allele origin: germline.
Comment: The p.M842I variant (also known as c.2526G>A), located in coding exon 22 of the ANKRD26 gene, results from a G to A substitution at nucleotide position 2526. The methionine at codon 842 is replaced by isoleucine, an amino acid with highly similar properties. This amino acid position is conserved. In addition, this alteration is predicted to be tolerated by in silico analysis. Based on the available evidence, the clinical significance of this variant remains unclear.

NM_014915.3(ANKRD26):c.2526G>A (p.Met842Ile)

Gene: ANKRD26 (ankyrin repeat domain containing 26; minus strand). Cytogenetic location: 10p12.1.
Variant type: single nucleotide variant.
Coding change: c.2526G>A on transcript NM_014915.3 (MANE Select); coding-DNA position 2526, G replaced by A.
Protein change: p.Met842Ile; replaces methionine 842 with isoleucine.
Molecular consequence: missense variant.
Genome position (GRCh38, 1-based): chr10:27,037,904, C>T on the plus strand (G>A on the coding strand, the complement: ANKRD26 is on the minus strand). VCF-style: chr10-27037904-C-T. GRCh37 (hg19) VCF-style: chr10-27326833-C-T.
Other names: c.2523G>A, p.Met841Ile (NM_001256053.2); short protein forms M841I, M842I.
Identifiers: ClinVar variation 4103149 (VCV004103149.1).